The following is an entry in ClinVar:

NM_000540.3(RYR1):c.12955C>T (p.Arg4319Trp)

Gene: RYR1 (ryanodine receptor 1; plus strand). Cytogenetic location: 19q13.2.
Variant type: single nucleotide variant.
Coding change: c.12955C>T on transcript NM_000540.3 (MANE Select); coding-DNA position 12955, C replaced by T.
Protein change: p.Arg4319Trp; replaces arginine 4319 with tryptophan.
Molecular consequence: missense variant.
Genome position (GRCh38, 1-based): chr19:38,565,289, C>T. VCF-style: chr19-38565289-C-T. GRCh37 (hg19) VCF-style: chr19-39055929-C-T.
Other names: c.12940C>T, p.Arg4314Trp (NM_001042723.2); short protein forms R4314W, R4319W.
Identifiers: ClinVar variation 931228 (VCV000931228.3), dbSNP rs1973350586, ClinGen allele CA405672717.

ClinVar aggregate classification (germline): Uncertain significance (1 of 4 stars; one submission).

Conditions:
Congenital myopathy with fiber type disproportion. Also called: Congenital fiber-type disproportion myopathy; Congenital fiber-type disproportion. Identifiers: Orphanet 2020, MedGen C0546264, MONDO:0009711. Inheritance: all.

Allele frequency attached by ClinVar (database versions not stated): gnomAD 0.00001; 1000 Genomes Project 30x 0.00016.

Submission:

Centre for Mendelian Genomics, University Medical Centre Ljubljana
Classification: Uncertain significance for Congenital myopathy 4A, autosomal dominant. Last evaluated: 2019-01-02. Review status: criteria provided, single submitter. Criteria: ACMG Guidelines, 2015. Collection method: clinical testing. Allele origin: unknown. Affected: yes.
Comment: This variant was classified as: Uncertain significance. The available evidence favors the pathogenic nature of this variant, however the currently available data is insufficient to conclusively support its pathogenic nature. Thus this variant is classified as Uncertain significance - favor pathogenic. The following ACMG criteria were applied in classifying this variant: PM2,PP2,PP3.